The following is an entry in ClinVar:

NM_020987.5(ANK3):c.1295C>T (p.Ser432Leu)

Gene: ANK3 (ankyrin 3; minus strand). Cytogenetic location: 10q21.2.
Variant type: single nucleotide variant.
Coding change: c.1295C>T on transcript NM_020987.5 (MANE Select); coding-DNA position 1295, C replaced by T.
Protein change: p.Ser432Leu; replaces serine 432 with leucine.
Molecular consequence: missense variant.
Genome position (GRCh38, 1-based): chr10:60,203,099, G>A on the plus strand (C>T on the coding strand, the complement: ANK3 is on the minus strand). VCF-style: chr10-60203099-G-A. GRCh37 (hg19) VCF-style: chr10-61962857-G-A.
Other names: c.1277C>T, p.Ser426Leu (NM_001204403.2); c.1244C>T, p.Ser415Leu (NM_001204404.2); c.1295C>T, p.Ser432Leu (NM_001320874.2); short protein forms S426L, S415L, S432L.
Identifiers: ClinVar variation 377333 (VCV000377333.3), dbSNP rs377696913, ClinGen allele CA5513173.

ClinVar aggregate classification (germline): Uncertain significance (1 of 4 stars; one submission).

Allele frequency attached by ClinVar (database versions not stated): ExAC 0.00002; TOPMed 0.00003; gnomAD 0.00004; ESP Exome Variant Server 0.00008; gnomAD exomes 0.00001.
gnomAD v4.1: 13 of 1,610,510 alleles (0.00081%); highest among the groups gnomAD compares: African/African-American, 0.004%; no homozygotes.

Submission:

Center for Pediatric Genomic Medicine, Children's Mercy Hospital and Clinics
Classification: Uncertain significance. Last evaluated: 2016-08-04. Review status: criteria provided, single submitter. Criteria: ACMG Guidelines, 2015. Collection method: clinical testing. Allele origin: germline.
ClinVar note: Converted during submission from Uncertain Significance to Uncertain significance.